The following is an entry in ClinVar:

ClinVar aggregate classification (germline): Uncertain significance (1 of 4 stars; one submission).

Conditions:
Infantile-onset ascending hereditary spastic paralysis (IAHSP). Also called: Autosomal Recessive Juvenile Amyotrophic Lateral Sclerosis; Infantile-Onset Ascending Hereditary Spastic Paralysis (IAHSP). Identifiers: Orphanet 293168, MedGen C2931441, MONDO:0011797, OMIM 607225. Disease mechanism: loss of function.

Allele frequency attached by ClinVar (database versions not stated): gnomAD exomes below 0.00001 and 0.00001.

Submission:

Labcorp Genetics (formerly Invitae), Labcorp
Classification: Uncertain significance for Infantile-onset ascending hereditary spastic paralysis. Last evaluated: 2021-05-20. Review status: criteria provided, single submitter. Criteria: Invitae Variant Classification Sherloc (09022015). Collection method: clinical testing. Allele origin: germline.
Comment: Algorithms developed to predict the effect of missense changes on protein structure and function (SIFT, PolyPhen-2, Align-GVGD) all suggest that this variant is likely to be tolerated, but these predictions have not been confirmed by published functional studies and their clinical significance is uncertain. In summary, the available evidence is currently insufficient to determine the role of this variant in disease. Therefore, it has been classified as a Variant of Uncertain Significance. This variant has not been reported in the literature in individuals with ALS2-related conditions. This sequence change replaces glutamine with arginine at codon 24 of the ALS2 protein (p.Gln24Arg). The glutamine residue is moderately conserved and there is a small physicochemical difference between glutamine and arginine. This variant is not present in population databases (ExAC no frequency).

NM_020919.4(ALS2):c.71A>G (p.Gln24Arg)

Gene: ALS2 (alsin Rho guanine nucleotide exchange factor ALS2; minus strand). Cytogenetic location: 2q33.1.
Variant type: single nucleotide variant.
Coding change: c.71A>G on transcript NM_020919.4 (MANE Select); coding-DNA position 71, A replaced by G.
Protein change: p.Gln24Arg; replaces glutamine 24 with arginine.
Molecular consequence: missense variant.
Genome position (GRCh38, 1-based): chr2:201,767,333, T>C on the plus strand (A>G on the coding strand, the complement: ALS2 is on the minus strand). VCF-style: chr2-201767333-T-C. GRCh37 (hg19) VCF-style: chr2-202632056-T-C.
Other names: c.71A>G, p.Gln24Arg (NM_001135745.2); short protein forms Q24R.
Identifiers: ClinVar variation 1445895 (VCV001445895.8), dbSNP rs947112051, ClinGen allele CA63976160.
Genomic context (GRCh38, chr2:201,767,333, plus strand): 5'-AAAACAGTCTTTCCTCCCCAGCCTGGCAATCTCTCTGGTGTTATGGGAAAGGATCCTGCC[T>C]GCCAGATATGGACCAGGCCTCTTTCCTTGGATCCTTCTGCCTCTGTTGAGCTAAAACATC-3'
Protein context (NP_065970.2, residues 14-34): SKERGLVHIW[Gln24Arg]AGSFPITPER